The following is an entry in ClinVar:

ClinVar aggregate classification (germline): Likely pathogenic. Review status: reviewed by expert panel (3 of 4 stars). 2 submissions from 2 submitters: Likely pathogenic (1). 1 of the submissions does not count toward it. Last evaluated 2026-09-26.

Conditions:
Primary ciliary dyskinesia. Also called: Ciliary dyskinesia. Identifiers: Orphanet 244, MedGen C0008780, MONDO:0016575, HP:0012265.
RPGR-related retinopathy. Also called: RPGR retinopathy. Identifiers: MedGen CN305589, MONDO:0100437.

Submissions (2):

ClinGen X-linked Inherited Retinal Disease Variant Curation Expert Panel, ClinGen
Classification: Likely pathogenic for RPGR-related retinopathy. Last evaluated: 2026-09-26. Review status: reviewed by expert panel. Criteria: ClinGen X LinkedIRD ACMG Specifications RPGR V1.0.0. Collection method: curation. Allele origin: germline. Inheritance: X-linked inheritance.
Comment: The NM_001034853.2(RPGR):c.644G>A variant is a missense variant encoding the substitution of glycine with glutamate at amino acid 215. This variant is absent from hemizygous individuals in gnomAD v4.1.0 (PM2_Supporting). The variant has been reported to segregate with retinal dystrophy through an affected mother and son. (PP1; PMID: 31652454). The computational predictor REVEL gives a score of 0.958, which is above the ClinGen X-linked IRD VCEP threshold of >0.932 and predicts a damaging effect on RPGR function (PP3_strong). The computational splicing predictor SpliceAI gives a delta score of 0.02 for acceptor gain, which is below the ClinGen X-linked IRD VCEP threshold of >0.2 and does not predict that the variant disrupts RPGR splicing. In summary, this variant is classified as likely pathogenic for RPGR-related retinopathy based on the ClinGen X-linked Inherited Retinal Disease Expert Panel Specifications to the ACMG/AMP Variant Interpretation Guidelines for RPGR Version 1.0.0: PP3_strong, PP1, and PM2_supporting.

Labcorp Genetics (formerly Invitae), Labcorp
Classification: Pathogenic for Primary ciliary dyskinesia. Last evaluated: 2025-10-04. Review status: criteria provided, single submitter. Criteria: Invitae Variant Classification Sherloc (09022015). Collection method: clinical testing. Allele origin: germline. Not counted in ClinVar's aggregate classification.
Comment: This sequence change replaces glycine, which is neutral and non-polar, with glutamic acid, which is acidic and polar, at codon 215 of the RPGR protein (p.Gly215Glu). This variant is not present in population databases (gnomAD no frequency). This missense change has been observed in individual(s) with retinal degeneration and/or retinitis pigmentosa (PMID: 31652454, 32037395). It has also been observed to segregate with disease in related individuals. Invitae Evidence Modeling of protein sequence and biophysical properties (such as structural, functional, and spatial information, amino acid conservation, physicochemical variation, residue mobility, and thermodynamic stability) indicates that this missense variant is expected to disrupt RPGR protein function with a positive predictive value of 95%. This variant disrupts the p.Gly215 amino acid residue in RPGR. Other variant(s) that disrupt this residue have been determined to be pathogenic (internal data). This suggests that this residue is clinically significant, and that variants that disrupt this residue are likely to be disease-causing. For these reasons, this variant has been classified as Pathogenic.

Literature cited by the submitters: PubMed 31652454 (cited by Labcorp Genetics (formerly Invitae), Labcorp); PubMed 32037395 (cited by Labcorp Genetics (formerly Invitae), Labcorp).

NM_001034853.2(RPGR):c.644G>A (p.Gly215Glu)

Gene: RPGR (retinitis pigmentosa GTPase regulator; minus strand). Cytogenetic location: Xp11.4.
Variant type: single nucleotide variant.
Coding change: c.644G>A on transcript NM_001034853.2 (MANE Select); coding-DNA position 644, G replaced by A.
Protein change: p.Gly215Glu; replaces glycine 215 with glutamic acid.
Molecular consequence: missense variant. On other transcripts: non-coding transcript variant (6).
Genome position (GRCh38, 1-based): chrX:38,310,749, C>T on the plus strand (G>A on the coding strand, the complement: RPGR is on the minus strand). VCF-style: chrX-38310749-C-T. GRCh37 (hg19) VCF-style: chrX-38170002-C-T.
Other names: NM_001034853.2:c.644G>A; c.644G>A, p.Gly215Glu (NM_000328.3, NM_001367246.1, NM_001367247.1 and 1 more transcripts); c.641G>A, p.Gly214Glu (NM_001367245.1, NM_001367249.1, NM_001367250.1); c.674G>A, p.Gly225Glu (NM_001367248.1); short protein forms G225E, G214E, G215E.
Identifiers: ClinVar variation 4692558 (VCV004692558.2).